The following is an entry in ClinVar:

ClinVar aggregate classification (germline): Uncertain significance (1 of 4 stars; one submission).

Conditions:
Hereditary cancer-predisposing syndrome. Also called: Hereditary neoplastic syndrome; Neoplastic Syndromes, Hereditary; Tumor predisposition; Hereditary Cancer Syndrome. Identifiers: Orphanet 140162, MedGen C0027672, MeSH D009386, MONDO:0015356.

Submission:

Labcorp Genetics (formerly Invitae), Labcorp
Classification: Uncertain significance for Hereditary cancer-predisposing syndrome. Last evaluated: 2019-10-14. Review status: criteria provided, single submitter. Criteria: Invitae Variant Classification Sherloc (09022015). Collection method: clinical testing. Allele origin: germline.
Comment: In summary, the available evidence is currently insufficient to determine the role of this variant in disease. Therefore, it has been classified as a Variant of Uncertain Significance. Algorithms developed to predict the effect of missense changes on protein structure and function are either unavailable or do not agree on the potential impact of this missense change (SIFT: "Tolerated"; PolyPhen-2: "Probably Damaging"; Align-GVGD: "Class C0"). This variant has not been reported in the literature in individuals with RAD50-related conditions. This variant is not present in population databases (ExAC no frequency). This sequence change replaces arginine with glycine at codon 120 of the RAD50 protein (p.Arg120Gly). The arginine residue is moderately conserved and there is a moderate physicochemical difference between arginine and glycine.

NM_005732.4(RAD50):c.358A>G (p.Arg120Gly)

Gene: RAD50 (RAD50 double strand break repair protein; plus strand). Cytogenetic location: 5q31.1.
Variant type: single nucleotide variant.
Coding change: c.358A>G on transcript NM_005732.4 (MANE Select); coding-DNA position 358, A replaced by G.
Protein change: p.Arg120Gly; replaces arginine 120 with glycine.
Molecular consequence: missense variant.
Genome position (GRCh38, 1-based): chr5:132,575,921, A>G. VCF-style: chr5-132575921-A-G. GRCh37 (hg19) VCF-style: chr5-131911613-A-G.
Other names: short protein forms R120G.
Identifiers: ClinVar variation 938887 (VCV000938887.10), dbSNP rs561992053, ClinGen allele CA360931475.